The following is an entry in ClinVar:

ClinVar aggregate classification (germline): Conflicting classifications of pathogenicity. Review status: criteria provided, conflicting classifications (1 of 4 stars). 4 submissions from 4 submitters: Uncertain significance (3); Benign (1). Last evaluated 2025-12-15.

Conditions:
Cardiovascular phenotype. Identifiers: MedGen CN230736.
Telangiectasia, hereditary hemorrhagic, type 1 (HHT1). Also called: Osler Weber Rendu syndrome type 1; ENG-Related Hereditary Hemorrhagic Telangiectasia. Identifiers: Orphanet 774, MedGen C4551861, MONDO:0008535, OMIM 187300. Disease mechanism: loss of function.
Hereditary hemorrhagic telangiectasia (HHT). Also called: ORW DISEASE; Osler Weber Rendu syndrome; OSLER-RENDU-WEBER DISEASE; Osler hemorrhagic telangiectasia syndrome. Identifiers: Orphanet 774, MedGen C0039445, MONDO:0019180. Disease mechanism: loss of function.

Allele frequency attached by ClinVar (database versions not stated): TOPMed 0.00001; gnomAD exomes 0.00002; ExAC 0.00003; gnomAD 0.00001.
gnomAD v4.1: 14 of 1,603,512 alleles (0.00087%); highest among the groups gnomAD compares: African/African-American, 0.0013%; no homozygotes.

Submissions (4):

Labcorp Genetics (formerly Invitae), Labcorp
Classification: Benign for Hereditary hemorrhagic telangiectasia. Last evaluated: 2025-12-15. Review status: criteria provided, single submitter. Criteria: Invitae Variant Classification Sherloc (09022015). Collection method: clinical testing. Allele origin: germline.

Mayo Clinic Laboratories, Mayo Clinic
Classification: Uncertain significance. Last evaluated: 2024-10-17. Review status: criteria provided, single submitter. Criteria: ACMG Guidelines, 2015. Collection method: clinical testing. Allele origin: germline. Observed: 2 variant alleles.
Comment: BP2

ARUP Laboratories, Molecular Genetics and Genomics, ARUP Laboratories
Classification: Uncertain significance for Telangiectasia, hereditary hemorrhagic, type 1. Last evaluated: 2023-11-08. Review status: criteria provided, single submitter. Criteria: ARUP Molecular Germline Variant Investigation Process 2024. Collection method: clinical testing. Allele origin: germline.
Comment: The ENG c.943G>A; p.Val315Met variant (rs763508329), to our knowledge, is not reported in the medical literature but is reported in ClinVar (Variation ID: 871270). This variant is only observed on five alleles in the Genome Aggregation Database, indicating it is not a common polymorphism. Another variant at this codon has been reported in an individual with hereditary hemorrhagic telangiectasia (Kitayama 2021) but the clinical significance of this variant is uncertain. Computational analyses are uncertain whether the p.Val315Met variant is neutral or deleterious (REVEL: 0.277). Due to limited information, the clinical significance of the variant is uncertain at this time. References: Kitayama K et al. Mutational and clinical spectrum of Japanese patients with hereditary hemorrhagic telangiectasia. BMC Med Genomics. 2021 Dec 6;14(1):288. PMID: 34872578

Ambry Genetics
Classification: Uncertain significance for Cardiovascular phenotype. Last evaluated: 2015-08-06. Review status: criteria provided, single submitter. Criteria: Ambry Variant Classification Scheme 2023. Collection method: clinical testing. Allele origin: germline.
Comment: The p.V315M variant (also known as c.943G>A), located in coding exon 7 of the ENG gene, results from a G to A substitution at nucleotide position 943. The valine at codon 315 is replaced by methionine, an amino acid with highly similar properties. This variant was not reported in population based cohorts in the following databases: Database of Single Nucleotide Polymorphisms (dbSNP), NHLBI Exome Sequencing Project (ESP), and 1000 Genomes Project. In the ESP, this variant was not observed in 6503 samples (13006 alleles) with coverage at this position. This amino acid position is highly conserved in available vertebrate species. In addition, this alteration is predicted to be tolerated by in silico analysis. Since supporting evidence is limited at this time, the clinical significance of variant remains unclear.

Literature cited by the submitters: PubMed 20414677 (cited by Mayo Clinic Laboratories, Mayo Clinic).

NM_001114753.3(ENG):c.943G>A (p.Val315Met)

Gene: ENG (endoglin; minus strand). Cytogenetic location: 9q34.11.
Variant type: single nucleotide variant.
Coding change: c.943G>A on transcript NM_001114753.3 (MANE Select); coding-DNA position 943, G replaced by A.
Protein change: p.Val315Met; replaces valine 315 with methionine.
Molecular consequence: missense variant.
Genome position (GRCh38, 1-based): chr9:127,824,848, C>T on the plus strand (G>A on the coding strand, the complement: ENG is on the minus strand). VCF-style: chr9-127824848-C-T. GRCh37 (hg19) VCF-style: chr9-130587127-C-T.
Other names: p.Val315Met; c.943G>A, p.Val315Met (NM_000118.4, NM_001406715.1); c.397G>A, p.Val133Met (NM_001278138.2); short protein forms V133M, V315M.
Identifiers: ClinVar variation 871270 (VCV000871270.23), dbSNP rs763508329, ClinGen allele CA5252934.
Genomic context (GRCh38, chr9:127,824,848, plus strand): 5'-AAGGGTGCTCACCGCAGCTGGAGGCATGAAGTGAGACAATGCTGGCCAGCGGTAGCTCCA[C>T]GAAGGATGCCACAATGCTGGCATTGAGCATCCGGGCCTCCCCCAGGAGGCCTTGAGGTGT-3'
Protein context (NP_001108225.1, residues 305-325): MLNASIVASF[Val315Met]ELPLASIVSL